The following is an entry in ClinVar:

NM_000107.3(DDB2):c.1187C>G (p.Ser396Trp)

Gene: DDB2 (damage specific DNA binding protein 2; plus strand). Cytogenetic location: 11p11.2.
Variant type: single nucleotide variant.
Coding change: c.1187C>G on transcript NM_000107.3 (MANE Select); coding-DNA position 1187, C replaced by G.
Protein change: p.Ser396Trp; replaces serine 396 with tryptophan.
Molecular consequence: missense variant. On other transcripts: non-coding transcript variant (2).
Genome position (GRCh38, 1-based): chr11:47,238,000, C>G. VCF-style: chr11-47238000-C-G. GRCh37 (hg19) VCF-style: chr11-47259551-C-G.
Other names: c.620C>G, p.Ser207Trp (NM_001300734.2, NM_001399876.1); c.1187C>G, p.Ser396Trp (NM_001399874.1, NM_001399875.1); c.995C>G, p.Ser332Trp (NM_001399878.1); short protein forms S207W, S332W, S396W.
Identifiers: ClinVar variation 2753536 (VCV002753536.3), dbSNP rs781655324, ClinGen allele CA380298270.

ClinVar aggregate classification (germline): Uncertain significance (1 of 4 stars; one submission).

Submission:

Labcorp Genetics (formerly Invitae), Labcorp
Classification: Uncertain significance. Last evaluated: 2023-08-17. Review status: criteria provided, single submitter. Criteria: Invitae Variant Classification Sherloc (09022015). Collection method: clinical testing. Allele origin: germline.
Comment: This sequence change replaces serine, which is neutral and polar, with tryptophan, which is neutral and slightly polar, at codon 396 of the DDB2 protein (p.Ser396Trp). This variant is not present in population databases (gnomAD no frequency). This variant has not been reported in the literature in individuals affected with DDB2-related conditions. An algorithm developed to predict the effect of missense changes on protein structure and function (PolyPhen-2) suggests that this variant is likely to be disruptive. Algorithms developed to predict the effect of sequence changes on RNA splicing suggest that this variant may create or strengthen a splice site. In summary, the available evidence is currently insufficient to determine the role of this variant in disease. Therefore, it has been classified as a Variant of Uncertain Significance.